The following is an entry in ClinVar:

NM_001374623.1(PNPLA1):c.347C>T (p.Thr116Ile)

Gene: PNPLA1 (patatin like phospholipase domain containing 1; plus strand). Cytogenetic location: 6p21.31.
Variant type: single nucleotide variant.
Coding change: c.347C>T on transcript NM_001374623.1 (MANE Select); coding-DNA position 347, C replaced by T.
Protein change: p.Thr116Ile; replaces threonine 116 with isoleucine.
Molecular consequence: missense variant.
Genome position (GRCh38, 1-based): chr6:36,291,461, C>T. VCF-style: chr6-36291461-C-T. GRCh37 (hg19) VCF-style: chr6-36259238-C-T.
Other names: c.62C>T, p.Thr21Ile (NM_001145716.2, NM_173676.2); c.347C>T, p.Thr116Ile (NM_001145717.1); short protein forms T116I, T21I.
Identifiers: ClinVar variation 3368112 (VCV003368112.1).

ClinVar aggregate classification (germline): Uncertain significance (1 of 4 stars; one submission).

gnomAD v4.1: 6 of 1,613,946 alleles (0.00037%); highest among the groups gnomAD compares: African/African-American, 0.008%; no homozygotes.

Submission:

GeneDx
Classification: Uncertain significance. Last evaluated: 2024-01-23. Review status: criteria provided, single submitter. Criteria: GeneDx Variant Classification Process June 2021. Collection method: clinical testing. Allele origin: germline. Affected: yes.
Comment: Has not been previously published as pathogenic or benign to our knowledge; In silico analysis supports that this missense variant does not alter protein structure/function